The following is an entry in ClinVar:

NM_002292.4(LAMB2):c.4118A>G (p.Asp1373Gly)

Gene: LAMB2 (laminin subunit beta 2; minus strand). Cytogenetic location: 3p21.31.
Variant type: single nucleotide variant.
Coding change: c.4118A>G on transcript NM_002292.4 (MANE Select); coding-DNA position 4118, A replaced by G.
Protein change: p.Asp1373Gly; replaces aspartic acid 1373 with glycine.
Molecular consequence: missense variant.
Genome position (GRCh38, 1-based): chr3:49,123,238, T>C on the plus strand (A>G on the coding strand, the complement: LAMB2 is on the minus strand). VCF-style: chr3-49123238-T-C. GRCh37 (hg19) VCF-style: chr3-49160671-T-C.
Other names: short protein forms D1373G.
Identifiers: ClinVar variation 472484 (VCV000472484.36), dbSNP rs112933248, ClinGen allele CA2393867.

ClinVar aggregate classification (germline): Conflicting classifications of pathogenicity. Review status: criteria provided, conflicting classifications (1 of 4 stars). 7 submissions from 6 submitters: Uncertain significance (5); Likely benign (1). 1 of the submissions does not count toward it. Last evaluated 2025-01-29.

Conditions:
Pierson syndrome. Also called: MICROCORIA-CONGENITAL NEPHROTIC SYNDROME. Identifiers: Orphanet 2670, MedGen C1836876, MONDO:0012184, OMIM 609049.
LAMB2-related infantile-onset nephrotic syndrome. Also called: Nephrotic Syndrome, type 5; NEPHROTIC SYNDROME, TYPE 5, WITHOUT OCULAR ABNORMALITIES; NEPHROTIC SYNDROME, TYPE 5, WITH OCULAR ABNORMALITIES. Identifiers: Orphanet 306507, MedGen C3280113, MONDO:0013621, OMIM 614199.
LAMB2-related disorder. Also called: LAMB2-related condition.

Allele frequency attached by ClinVar (database versions not stated): gnomAD 0.00070 and 0.00076; TOPMed 0.00070; ESP Exome Variant Server 0.00100.
gnomAD v4.1: 1,633 of 1,613,920 alleles (0.1%); highest among the groups gnomAD compares: Non-Finnish European, 0.13%; 1 homozygote.

Submissions (7):

Labcorp Genetics (formerly Invitae), Labcorp
Classification: Uncertain significance for LAMB2-related infantile-onset nephrotic syndrome; Pierson syndrome. Last evaluated: 2025-01-29. Review status: criteria provided, single submitter. Criteria: Invitae Variant Classification Sherloc (09022015). Collection method: clinical testing. Allele origin: germline.
Comment: This sequence change replaces aspartic acid, which is acidic and polar, with glycine, which is neutral and non-polar, at codon 1373 of the LAMB2 protein (p.Asp1373Gly). This variant is present in population databases (rs112933248, gnomAD 0.2%), and has an allele count higher than expected for a pathogenic variant. This variant has not been reported in the literature in individuals affected with LAMB2-related conditions. ClinVar contains an entry for this variant (Variation ID: 472484). An algorithm developed to predict the effect of missense changes on protein structure and function outputs the following: PolyPhen-2: "Benign". The glycine amino acid residue is found in multiple mammalian species, which suggests that this missense change does not adversely affect protein function. In summary, the available evidence is currently insufficient to determine the role of this variant in disease. Therefore, it has been classified as a Variant of Uncertain Significance.

CeGaT Center for Human Genetics Tuebingen
Classification: Likely benign. Last evaluated: 2023-08-01. Review status: criteria provided, single submitter. Criteria: CeGaT Center For Human Genetics Tuebingen Variant Classification Criteria Version 2. Collection method: clinical testing. Allele origin: germline. Affected: yes. Observed: 1 variant allele.
Comment: LAMB2: BP4

Department of Pathology and Laboratory Medicine, Sinai Health System
Classification: Uncertain significance for Pierson syndrome; LAMB2-related infantile-onset nephrotic syndrome. Last evaluated: 2021-09-10. Review status: criteria provided, single submitter. Criteria: ACMG Guidelines, 2015. Collection method: research. Allele origin: germline.

GeneDx
Classification: Uncertain significance. Last evaluated: 2020-01-06. Review status: criteria provided, single submitter. Criteria: GeneDx Variant Classification Process June 2021. Collection method: clinical testing. Allele origin: germline. Affected: yes.
Comment: In silico analysis, which includes protein predictors and evolutionary conservation, supports that this variant does not alter protein structure/function; This variant is associated with the following publications: (PMID: 20556798, 27573339)

Illumina Laboratory Services, Illumina
Classification: Uncertain significance for LAMB2-related infantile-onset nephrotic syndrome. Last evaluated: 2017-04-27. Review status: criteria provided, single submitter. Criteria: ICSL Variant Classification Criteria 13 December 2019. Collection method: clinical testing. Allele origin: germline.

Illumina Laboratory Services, Illumina
Classification: Uncertain significance for Pierson syndrome. Last evaluated: 2017-04-27. Review status: criteria provided, single submitter. Criteria: ICSL Variant Classification Criteria 13 December 2019. Collection method: clinical testing. Allele origin: germline.
Comment: This variant was observed as part of a predisposition screen in an ostensibly healthy population. A literature search was performed for the gene, cDNA change, and amino acid change (where applicable). Publications were found based on this search. However, the evidence from the literature, in combination with allele frequency data from public databases where available, was not sufficient to rule this variant in or out of causing disease. Therefore, this variant is classified as a variant of unknown significance.

PreventionGenetics, part of Exact Sciences
Classification: Likely benign for LAMB2-related condition. Last evaluated: 2023-12-05. Review status: no assertion criteria provided. Collection method: clinical testing. Allele origin: germline. Not counted in ClinVar's aggregate classification.
Comment: This variant is classified as likely benign based on ACMG/AMP sequence variant interpretation guidelines (Richards et al. 2015 PMID: 25741868, with internal and published modifications).

Literature cited by the submitters: PubMed 20556798 (cited by Illumina Laboratory Services, Illumina).